The following is an entry in ClinVar:

NM_000170.3(GLDC):c.1718G>A (p.Trp573Ter)

Gene: GLDC (glycine decarboxylase; minus strand). Cytogenetic location: 9p24.1.
Variant type: single nucleotide variant.
Coding change: c.1718G>A on transcript NM_000170.3 (MANE Select); coding-DNA position 1718, G replaced by A.
Protein change: p.Trp573Ter; replaces tryptophan 573 with a stop codon.
Molecular consequence: nonsense.
Genome position (GRCh38, 1-based): chr9:6,587,273, C>T on the plus strand (G>A on the coding strand, the complement: GLDC is on the minus strand). VCF-style: chr9-6587273-C-T. GRCh37 (hg19) VCF-style: chr9-6587273-C-T.
Other names: short protein forms W573*.
Identifiers: ClinVar variation 1075670 (VCV001075670.11), dbSNP rs959935793, ClinGen allele CA188662426.
Genomic context (GRCh38, chr9:6,587,273, plus strand): 5'-TGCTGATATCCTTGAGCTTGATCCAGAGGCACAAAGGGGTGGATGTTTGCAAATTCTTTC[C>T]ATGTGATAGGCTGAAAAGAAAGAAAACAAAAATGCATATATACATATTATAATAGCAATA-3'

ClinVar aggregate classification (germline): Pathogenic. Review status: criteria provided, multiple submitters, no conflicts (2 of 4 stars). 2 submissions from 2 submitters: Pathogenic (2). Last evaluated 2024-05-08.

Conditions:
Glycine encephalopathy. Also called: Non-ketotic hyperglycinemia; Nonketotic hyperglycinemia. Identifiers: Orphanet 407, MedGen C0751748, MONDO:0011612, HP:0008288.
Glycine encephalopathy 1 (GCE1). Identifiers: MedGen CN376801, MONDO:0958179, OMIM 605899.

Allele frequency attached by ClinVar (database versions not stated): gnomAD 0.00001.

Submissions (2):

Myriad Genetics, Inc.
Classification: Pathogenic for Glycine encephalopathy 1. Last evaluated: 2024-05-08. Review status: criteria provided, single submitter. Criteria: Myriad Autosomal Dominant, Autosomal Recessive and X-Linked Classification Criteria (2023). Collection method: clinical testing. Allele origin: unknown.
Comment: NM_000170.2(GLDC):c.1718G>A(W573*) is expected to be pathogenic in the context of glycine encephalopathy, GLDC-related. This variant is predicted to lead to an abnormal or absent protein product due to the creation of a premature termination codon in GLDC, a gene where loss-of-function variants are known to be pathogenic. Please note: this variant was assessed in the context of healthy population screening.

Labcorp Genetics (formerly Invitae), Labcorp
Classification: Pathogenic for Glycine encephalopathy. Last evaluated: 2021-09-21. Review status: criteria provided, single submitter. Criteria: Invitae Variant Classification Sherloc (09022015). Collection method: clinical testing. Allele origin: germline.
Comment: This variant is not present in population databases (ExAC no frequency). This sequence change creates a premature translational stop signal (p.Trp573*) in the GLDC gene. It is expected to result in an absent or disrupted protein product. This variant has not been reported in the literature in individuals with GLDC-related conditions. For these reasons, this variant has been classified as Pathogenic. Loss-of-function variants in GLDC are known to be pathogenic (PMID: 16601880). Algorithms developed to predict the effect of sequence changes on RNA splicing suggest that this variant may create or strengthen a splice site, but this prediction has not been confirmed by published transcriptional studies.

Literature cited by the submitters: PubMed 16601880 (cited by Labcorp Genetics (formerly Invitae), Labcorp).